The following is an entry in ClinVar:

NM_001466.4(FZD2):c.413G>A (p.Cys138Tyr)

Gene: FZD2 (frizzled class receptor 2; plus strand). Cytogenetic location: 17q21.31.
Variant type: single nucleotide variant.
Coding change: c.413G>A on transcript NM_001466.4 (MANE Select); coding-DNA position 413, G replaced by A.
Protein change: p.Cys138Tyr; replaces cysteine 138 with tyrosine.
Molecular consequence: missense variant.
Genome position (GRCh38, 1-based): chr17:44,558,101, G>A. VCF-style: chr17-44558101-G-A. GRCh37 (hg19) VCF-style: chr17-42635469-G-A.
Other names: short protein forms C138Y.
Identifiers: ClinVar variation 4767278 (VCV004767278.1).
Genomic context (GRCh38, chr17:44,558,101, plus strand): 5'-GCCAGGGCTGCGAAGCCCTCATGAACAAGTTCGGTTTTCAGTGGCCCGAGCGCCTGCGCT[G>A]CGAGCACTTCCCGCGCCACGGCGCCGAGCAGATCTGCGTCGGCCAGAACCACTCCGAGGA-3'
Protein context (NP_001457.1, residues 128-148): FGFQWPERLR[Cys138Tyr]EHFPRHGAEQ

ClinVar aggregate classification (germline): Uncertain significance (1 of 4 stars; one submission).

Submission:

Labcorp Genetics (formerly Invitae), Labcorp
Classification: Uncertain significance. Last evaluated: 2025-10-06. Review status: criteria provided, single submitter. Criteria: Invitae Variant Classification Sherloc (09022015). Collection method: clinical testing. Allele origin: germline.
Comment: This sequence change replaces cysteine, which is neutral and slightly polar, with tyrosine, which is neutral and polar, at codon 138 of the FZD2 protein (p.Cys138Tyr). This variant is not present in population databases (gnomAD no frequency). This variant has not been reported in the literature in individuals affected with FZD2-related conditions. Invitae Evidence Modeling of protein sequence and biophysical properties (such as structural, functional, and spatial information, amino acid conservation, physicochemical variation, residue mobility, and thermodynamic stability) indicates that this missense variant is expected to disrupt FZD2 protein function with a positive predictive value of 80%. In summary, the available evidence is currently insufficient to determine the role of this variant in disease. Therefore, it has been classified as a Variant of Uncertain Significance.